The following is an entry in ClinVar:

ClinVar aggregate classification (germline): Conflicting classifications of pathogenicity. Review status: criteria provided, conflicting classifications (1 of 4 stars). 3 submissions from 3 submitters: Likely pathogenic (1); Uncertain significance (1). 1 of the submissions does not count toward it. Last evaluated 2026-07-23.

Conditions:
Pendred syndrome (PDS). Also called: Pendred's syndrome; Pendred Syndrome (PDS); DEAFNESS WITH GOITER; GOITER-DEAFNESS SYNDROME; HYPOTHYROIDISM, CONGENITAL, DUE TO DYSHORMONOGENESIS, 2B; THYROID DYSHORMONOGENESIS 2B. Identifiers: Orphanet 705, MedGen C0271829, MONDO:0010134, OMIM 274600.

Allele frequency attached by ClinVar (database versions not stated): gnomAD exomes below 0.00001; TOPMed below 0.00001.

Submissions (3):

Myriad Genetics, Inc.
Classification: Uncertain significance for Pendred syndrome. Last evaluated: 2026-07-23. Review status: criteria provided, single submitter. Criteria: Myriad Autosomal Dominant, Autosomal Recessive and X-Linked Classification Criteria (2023). Collection method: clinical testing. Allele origin: unknown.
Comment: NM_000441.1(SLC26A4):c.395C>T(T132I) is a missense variant classified as a variant of uncertain significance in the context of Pendred syndrome. T132I has been observed in cases with relevant disease (PMID: 16482981, 26100058, 37093292). Relevant functional assessments of this variant are not available in the literature. T132I has not been observed in referenced population frequency databases. In summary, there is insufficient evidence to classify NM_000441.1(SLC26A4):c.395C>T(T132I) as pathogenic or benign. Please note: this variant was assessed in the context of healthy population screening.

Natera, Inc.
Classification: Likely pathogenic for Pendred syndrome. Last evaluated: 2025-03-10. Review status: criteria provided, single submitter. Criteria: Natera Variant Classification Schema (03/2026). Collection method: clinical testing. Allele origin: germline.
Comment: The c.395C>T variant in SLC26A4 is a missense variant predicted to cause substitution of threonine to isoleucine at amino acid 132. This variant is rare in the general population with a frequency below the threshold expected for the associated phenotype(s). This variant has been observed in one or more individuals affected with the associated recessive disease, as either homozygous or compound heterozygous with a second variant (PMID: 16482981, 12112665, 37093292, 26100058). Additionally, this variant has been observed to segregate in affected family members (PMID: 16482981). Computational prediction algorithms indicate this variant is likely to affect gene or protein function. Given the available evidence, this variant is classified as Likely Pathogenic.

Counsyl
Classification: Uncertain significance for Pendred syndrome. Last evaluated: 2017-01-17. Review status: no assertion criteria provided. Collection method: clinical testing. Allele origin: unknown. Not counted in ClinVar's aggregate classification.

Literature cited by the submitters: PubMed 16482981 (cited by Myriad Genetics, Inc. and Natera, Inc.); PubMed 26100058 (cited by 3 submitters); PubMed 37093292 (cited by Myriad Genetics, Inc. and Natera, Inc.); PubMed 12112665 (cited by Natera, Inc.); PubMed 11748854 (cited by Counsyl); PubMed 27771369 (cited by Counsyl).

NM_000441.2(SLC26A4):c.395C>T (p.Thr132Ile)

Gene: SLC26A4 (solute carrier family 26 member 4; plus strand). Cytogenetic location: 7q22.3.
Variant type: single nucleotide variant.
Coding change: c.395C>T on transcript NM_000441.2 (MANE Select); coding-DNA position 395, C replaced by T.
Protein change: p.Thr132Ile; replaces threonine 132 with isoleucine.
Molecular consequence: missense variant.
Genome position (GRCh38, 1-based): chr7:107,672,228, C>T. VCF-style: chr7-107672228-C-T. GRCh37 (hg19) VCF-style: chr7-107312673-C-T.
Other names: short protein forms T132I.
Identifiers: ClinVar variation 550080 (VCV000550080.4), dbSNP rs1554354370, ClinGen allele CA368847243.